The following is an entry in ClinVar:

ClinVar aggregate classification (germline): Uncertain significance. Review status: criteria provided, multiple submitters, no conflicts (2 of 4 stars). 5 submissions from 5 submitters: Uncertain significance (3). 2 of the submissions do not count toward it. Last evaluated 2026-01-06.

Conditions:
Mucopolysaccharidosis, MPS-III-C (MPS3C). Also called: SANFILIPPO SYNDROME C; mucopolysaccharidosis type 3C; Mucopolysaccharidosis type IIIC (Sanfilippo C); MPS IIIC (Sanfilippo Syndrome Type C); MUCOPOLYSACCHARIDOSIS, TYPE IIIC; MPS III C. Identifiers: Orphanet 581, Orphanet 79271, MedGen C0086649, MONDO:0009657, OMIM 252930.
Retinitis pigmentosa 73 (RP73). Identifiers: Orphanet 791, MedGen C4225287, MONDO:0014687, OMIM 616544.
Retinal dystrophy. Also called: Inherited retinal dystrophy. Identifiers: Orphanet 71862, MedGen C0854723, MeSH D058499, MONDO:0019118, HP:0000556.

Allele frequency attached by ClinVar (database versions not stated): ExAC 0.00001; TOPMed 0.00002; gnomAD exomes 0.00001.

Submissions (5):

Myriad Genetics, Inc.
Classification: Uncertain significance for Mucopolysaccharidosis, MPS-III-C. Last evaluated: 2026-01-06. Review status: criteria provided, single submitter. Criteria: Myriad Autosomal Dominant, Autosomal Recessive and X-Linked Classification Criteria (2023). Collection method: clinical testing. Allele origin: unknown.
Comment: NM_152419.2(HGSNAT):c.1264C>T(P422S) is a missense variant classified as a variant of uncertain significance in the context of mucopolysaccharidosis type IIIC. P422S has been observed in a case with relevant disease (PMID: 39462066). Relevant functional assessments of this variant are not available in the literature. P422S has been observed in referenced population frequency databases. In summary, there is insufficient evidence to classify NM_152419.2(HGSNAT):c.1264C>T(P422S) as pathogenic or benign. Please note: this variant was assessed in the context of healthy population screening.

Labcorp Genetics (formerly Invitae), Labcorp
Classification: Uncertain significance for Retinitis pigmentosa 73; Mucopolysaccharidosis, MPS-III-C. Last evaluated: 2024-10-23. Review status: criteria provided, single submitter. Criteria: Invitae Variant Classification Sherloc (09022015). Collection method: clinical testing. Allele origin: germline.
Comment: This sequence change replaces proline, which is neutral and non-polar, with serine, which is neutral and polar, at codon 422 of the HGSNAT protein (p.Pro422Ser). This variant is present in population databases (rs538620581, gnomAD 0.002%). This missense change has been observed in individual(s) with clinical features of HGSNAT-related conditions (internal data). ClinVar contains an entry for this variant (Variation ID: 853455). Invitae Evidence Modeling of protein sequence and biophysical properties (such as structural, functional, and spatial information, amino acid conservation, physicochemical variation, residue mobility, and thermodynamic stability) has been performed for this missense variant. However, the output from this modeling did not meet the statistical confidence thresholds required to predict the impact of this variant on HGSNAT protein function. In summary, the available evidence is currently insufficient to determine the role of this variant in disease. Therefore, it has been classified as a Variant of Uncertain Significance.

Fulgent Genetics
Classification: Uncertain significance for Mucopolysaccharidosis, MPS-III-C; Retinitis pigmentosa 73. Last evaluated: 2021-08-23. Review status: criteria provided, single submitter. Criteria: ACMG Guidelines, 2015. Collection method: clinical testing. Allele origin: unknown.

Institute of Human Genetics, Univ. Regensburg, Univ. Regensburg
Classification: Likely pathogenic for Retinal dystrophy. Last evaluated: 2022-01-01. Review status: no assertion criteria provided. Criteria: ACMG Guidelines, 2015. Collection method: clinical testing. Allele origin: germline. Affected: yes. Not counted in ClinVar's aggregate classification.

Natera, Inc.
Classification: Uncertain significance for Mucopolysaccharidosis type IIIC. Last evaluated: 2020-04-14. Review status: no assertion criteria provided. Collection method: clinical testing. Allele origin: germline. Not counted in ClinVar's aggregate classification.

Literature cited by the submitters: PubMed 39462066 (cited by Myriad Genetics, Inc.).

NM_152419.3(HGSNAT):c.1264C>T (p.Pro422Ser)

Gene: HGSNAT (heparan-alpha-glucosaminide N-acetyltransferase; plus strand). Cytogenetic location: 8p11.21.
Variant type: single nucleotide variant.
Coding change: c.1264C>T on transcript NM_152419.3 (MANE Select); coding-DNA position 1264, C replaced by T.
Protein change: p.Pro422Ser; replaces proline 422 with serine.
Molecular consequence: missense variant.
Genome position (GRCh38, 1-based): chr8:43,192,317, C>T. VCF-style: chr8-43192317-C-T. GRCh37 (hg19) VCF-style: chr8-43047460-C-T.
Other names: c.1264C>T, p.Pro422Ser (NM_001363227.2); c.1072C>T, p.Pro358Ser (NM_001363228.2); c.400C>T, p.Pro134Ser (NM_001363229.2); short protein forms P134S, P358S, P422S.
Identifiers: ClinVar variation 853455 (VCV000853455.8), dbSNP rs538620581, ClinGen allele CA4736832.